The following is an entry in ClinVar:

NM_080680.3(COL11A2):c.170_171del (p.Asp57fs)

Gene: COL11A2 (collagen type XI alpha 2 chain; minus strand). Cytogenetic location: 6p21.32.
Variant type: Deletion.
Coding change: c.170_171del on transcript NM_080680.3 (MANE Select); coding-DNA positions 170 to 171, 2 bases deleted (AT; older notation c.170_171delAT).
Protein change: p.Asp57fs; shifts the reading frame from aspartic acid 57.
Molecular consequence: frameshift variant. On other transcripts: 5 prime UTR variant (3), non-coding transcript variant (1).
Genome position (GRCh38, 1-based): chr6:33,189,381-33,189,382, AT deleted on the plus strand (AT on the coding strand, the reverse complement: COL11A2 is on the minus strand). VCF-style (leftmost placement, unchanged base first): chr6-33189380-CAT-C. GRCh37 (hg19) VCF-style: chr6-33157157-CAT-C.
Other names: c.170_171del, p.Asp57fs (NM_001163771.2, NM_001424108.1, NM_080679.3 and 1 more transcripts); c.-677_-676del (NM_001424109.1, NM_001424110.1, NM_001424111.1); short protein forms D57fs.
Identifiers: ClinVar variation 2832103 (VCV002832103.3), dbSNP rs2535559906, ClinGen allele CA2739272937.

ClinVar aggregate classification (germline): Pathogenic (1 of 4 stars; one submission).

Submission:

Labcorp Genetics (formerly Invitae), Labcorp
Classification: Pathogenic. Last evaluated: 2023-01-26. Review status: criteria provided, single submitter. Criteria: Invitae Variant Classification Sherloc (09022015). Collection method: clinical testing. Allele origin: germline.
Comment: For these reasons, this variant has been classified as Pathogenic. This variant has not been reported in the literature in individuals affected with COL11A2-related conditions. This variant is not present in population databases (gnomAD no frequency). This sequence change creates a premature translational stop signal (p.Asp57Glyfs*68) in the COL11A2 gene. It is expected to result in an absent or disrupted protein product. Loss-of-function variants in COL11A2 are known to be pathogenic (PMID: 10677296, 21204229).

Literature cited by the submitters: PubMed 10677296; PubMed 21204229.